The following is an entry in ClinVar:

NM_206933.4(USH2A):c.5635del (p.Val1879fs)

Genes: USH2A (usherin; minus strand), USH2A-AS2 (USH2A antisense RNA 2; plus strand). Cytogenetic location: 1q41.
Variant type: Deletion.
Coding change: c.5635del on transcript NM_206933.4 (MANE Select); coding-DNA position 5635, one base deleted (G; older notation c.5635delG).
Protein change: p.Val1879fs; shifts the reading frame from valine 1879.
Molecular consequence: frameshift variant.
Genome position (GRCh38, 1-based): chr1:216,073,238, C deleted on the plus strand (G on the coding strand, the reverse complement: USH2A is on the minus strand). VCF-style (leftmost placement, unchanged base first): chr1-216073237-AC-A. GRCh37 (hg19) VCF-style: chr1-216246579-AC-A.
Other names: short protein forms V1879fs.
Identifiers: ClinVar variation 2854973 (VCV002854973.3), dbSNP rs2527778330, ClinGen allele CA2739275681.

ClinVar aggregate classification (germline): Pathogenic (1 of 4 stars; one submission).

Submission:

Labcorp Genetics (formerly Invitae), Labcorp
Classification: Pathogenic. Last evaluated: 2023-04-11. Review status: criteria provided, single submitter. Criteria: Invitae Variant Classification Sherloc (09022015). Collection method: clinical testing. Allele origin: germline.
Comment: For these reasons, this variant has been classified as Pathogenic. This variant has not been reported in the literature in individuals affected with USH2A-related conditions. This variant is not present in population databases (gnomAD no frequency). This sequence change creates a premature translational stop signal (p.Val1879Cysfs*53) in the USH2A gene. It is expected to result in an absent or disrupted protein product. Loss-of-function variants in USH2A are known to be pathogenic (PMID: 10729113, 10909849, 20507924, 25649381).

Literature cited by the submitters: PubMed 10729113; PubMed 10909849; PubMed 20507924; PubMed 25649381.